The following is an entry in ClinVar:

NM_022167.4(XYLT2):c.1247A>G (p.Asp416Gly)

Gene: XYLT2 (xylosyltransferase 2; plus strand). Cytogenetic location: 17q21.33.
Variant type: single nucleotide variant.
Coding change: c.1247A>G on transcript NM_022167.4 (MANE Select); coding-DNA position 1247, A replaced by G.
Protein change: p.Asp416Gly; replaces aspartic acid 416 with glycine.
Molecular consequence: missense variant.
Genome position (GRCh38, 1-based): chr17:50,355,939, A>G. VCF-style: chr17-50355939-A-G. GRCh37 (hg19) VCF-style: chr17-48433300-A-G.
Other names: short protein forms D416G.
Identifiers: ClinVar variation 2098947 (VCV002098947.4), dbSNP rs2543951840, ClinGen allele CA400205319.
Genomic context (GRCh38, chr17:50,355,939, plus strand): 5'-ATGGCGGTTCTGACTGGTTCGTGCTGACACGCAGCTTTGTGGAGTATGTGGTGTACACAG[A>G]TGACCCGCTTGTGGCCCAGCTGCGCCAGTTCTACACATACACACTGCTCCCAGCCGAGGT-3'
Protein context (NP_071450.2, residues 406-426): RSFVEYVVYT[Asp416Gly]DPLVAQLRQF

ClinVar aggregate classification (germline): Uncertain significance (1 of 4 stars; one submission).

Submission:

Labcorp Genetics (formerly Invitae), Labcorp
Classification: Uncertain significance. Last evaluated: 2023-07-07. Review status: criteria provided, single submitter. Criteria: Invitae Variant Classification Sherloc (09022015). Collection method: clinical testing. Allele origin: germline.
Comment: This variant is not present in population databases (gnomAD no frequency). This sequence change replaces aspartic acid, which is acidic and polar, with glycine, which is neutral and non-polar, at codon 416 of the XYLT2 protein (p.Asp416Gly). This variant has not been reported in the literature in individuals affected with XYLT2-related conditions. ClinVar contains an entry for this variant (Variation ID: 2098947). Advanced modeling of protein sequence and biophysical properties (such as structural, functional, and spatial information, amino acid conservation, physicochemical variation, residue mobility, and thermodynamic stability) performed at Invitae indicates that this missense variant is not expected to disrupt XYLT2 protein function. In summary, the available evidence is currently insufficient to determine the role of this variant in disease. Therefore, it has been classified as a Variant of Uncertain Significance.